The following is an entry in ClinVar:

ClinVar aggregate classification (germline): Uncertain significance. Review status: criteria provided, multiple submitters, no conflicts (2 of 4 stars). 2 submissions from 2 submitters: Uncertain significance (2). Last evaluated 2021-09-18.

Conditions:
Cardiovascular phenotype. Identifiers: MedGen CN230736.
Hypertrophic cardiomyopathy 14. Identifiers: MedGen C2750467, MONDO:0013197, OMIM 613251.

Allele frequency attached by ClinVar (database versions not stated): TOPMed below 0.00001.
gnomAD v4.1: 1 of 1,614,212 alleles (0.000062%); no homozygotes.

Submissions (2):

Labcorp Genetics (formerly Invitae), Labcorp
Classification: Uncertain significance for Hypertrophic cardiomyopathy 14. Last evaluated: 2021-09-18. Review status: criteria provided, single submitter. Criteria: Invitae Variant Classification Sherloc (09022015). Collection method: clinical testing. Allele origin: germline.
Comment: In summary, the available evidence is currently insufficient to determine the role of this variant in disease. Therefore, it has been classified as a Variant of Uncertain Significance. Algorithms developed to predict the effect of missense changes on protein structure and function are either unavailable or do not agree on the potential impact of this missense change (SIFT: "Deleterious"; PolyPhen-2: "Probably Damaging"; Align-GVGD: "Class C0"). This variant has not been reported in the literature in individuals affected with MYH6-related conditions. This variant is not present in population databases (ExAC no frequency). This sequence change replaces glutamic acid with glycine at codon 951 of the MYH6 protein (p.Glu951Gly). The glutamic acid residue is moderately conserved and there is a moderate physicochemical difference between glutamic acid and glycine.

Ambry Genetics
Classification: Uncertain significance for Cardiovascular phenotype. Last evaluated: 2021-04-13. Review status: criteria provided, single submitter. Criteria: Ambry Variant Classification Scheme 2023. Collection method: clinical testing. Allele origin: germline.
Comment: The p.E951G variant (also known as c.2852A>G), located in coding exon 20 of the MYH6 gene, results from an A to G substitution at nucleotide position 2852. The glutamic acid at codon 951 is replaced by glycine, an amino acid with similar properties. This amino acid position is highly conserved in available vertebrate species. In addition, this alteration is predicted to be deleterious by in silico analysis. Since supporting evidence is limited at this time, the clinical significance of this alteration remains unclear.

NM_002471.4(MYH6):c.2852A>G (p.Glu951Gly)

Gene: MYH6 (myosin heavy chain 6; minus strand). Cytogenetic location: 14q11.2.
Variant type: single nucleotide variant.
Coding change: c.2852A>G on transcript NM_002471.4 (MANE Select); coding-DNA position 2852, A replaced by G.
Protein change: p.Glu951Gly; replaces glutamic acid 951 with glycine.
Molecular consequence: missense variant.
Genome position (GRCh38, 1-based): chr14:23,393,742, T>C on the plus strand (A>G on the coding strand, the complement: MYH6 is on the minus strand). VCF-style: chr14-23393742-T-C. GRCh37 (hg19) VCF-style: chr14-23862951-T-C.
Other names: short protein forms E951G.
Identifiers: ClinVar variation 1477802 (VCV001477802.8), dbSNP rs1360691146, ClinGen allele CA389012179.
Genomic context (GRCh38, chr14:23,393,742, plus strand): 5'-TGCTTCTCCTTCTCCACCTTGGCCAGTGTCAGCTCCAGGTCATCAATGTCCTTCTTGAGC[T>C]CTGAGCACTCGTCTTCCAGCTTGCGCTTCTTGGCAGTGAGCTCCGCGTTCATCTCCTCCT-3'
Protein context (NP_002462.2, residues 941-961): KKRKLEDECS[Glu951Gly]LKKDIDDLEL